The following is an entry in ClinVar:

ClinVar aggregate classification (germline): Uncertain significance (1 of 4 stars; one submission).

Conditions:
Intellectual developmental disorder with dysmorphic facies and behavioral abnormalities. Identifiers: MedGen C4748135, MONDO:0060760, OMIM 618089.

Submission:

OLLIN Analises Genomicas, OLLIN
Classification: Uncertain significance for Intellectual developmental disorder with dysmorphic facies and behavioral abnormalities. Last evaluated: 2026-02-13. Review status: criteria provided, single submitter. Criteria: ACMG Guidelines 2015 PMID 25741868. Collection method: clinical testing. Allele origin: germline. Observed: 1 variant allele.
Comment: PM2_P

NM_001190274.2(FBXO11):c.331A>T (p.Thr111Ser)

Gene: FBXO11 (F-box protein 11; minus strand). Cytogenetic location: 2p16.3.
Variant type: single nucleotide variant.
Coding change: c.331A>T on transcript NM_001190274.2 (MANE Select); coding-DNA position 331, A replaced by T.
Protein change: p.Thr111Ser; replaces threonine 111 with serine.
Molecular consequence: missense variant.
Genome position (GRCh38, 1-based): chr2:47,839,671, T>A on the plus strand (A>T on the coding strand, the complement: FBXO11 is on the minus strand). VCF-style: chr2-47839671-T-A. GRCh37 (hg19) VCF-style: chr2-48066810-T-A.
Other names: c.79A>T, p.Thr27Ser (NM_001374325.1, NM_025133.4); short protein forms T111S, T27S.
Identifiers: ClinVar variation 4814078 (VCV004814078.1).
Genomic context (GRCh38, chr2:47,839,671, plus strand): 5'-CAAAAAGAAAAGCAACTACAGTTAAAGTTACCTCCATACTGTTCTTTGTGGGACACGCTG[T>A]TCTTTTCGGCAAAAGAGTTTTTCTACGAAGTTGGTATGGACTATTTTGTGCACCAGGACC-3'
Protein context (NP_001177203.1, residues 101-121): LRRKTLLPKR[Thr111Ser]ACPTKNSMEG